The following is an entry in ClinVar:

NM_024675.4(PALB2):c.35A>C (p.Glu12Ala)

Gene: PALB2 (partner and localizer of BRCA2; minus strand). Cytogenetic location: 16p12.2.
Variant type: single nucleotide variant.
Coding change: c.35A>C on transcript NM_024675.4 (MANE Select); coding-DNA position 35, A replaced by C.
Protein change: p.Glu12Ala; replaces glutamic acid 12 with alanine.
Molecular consequence: missense variant.
Genome position (GRCh38, 1-based): chr16:23,641,123, T>G on the plus strand (A>C on the coding strand, the complement: PALB2 is on the minus strand). VCF-style: chr16-23641123-T-G. GRCh37 (hg19) VCF-style: chr16-23652444-T-G.
Other names: short protein forms E12A.
Identifiers: ClinVar variation 232401 (VCV000232401.14), dbSNP rs876659744, ClinGen allele CA10580060.

ClinVar aggregate classification (germline): Uncertain significance. Review status: criteria provided, multiple submitters, no conflicts (2 of 4 stars). 2 submissions from 2 submitters: Uncertain significance (2). Last evaluated 2025-01-25.

Conditions:
Familial cancer of breast. Also called: BREAST CANCER, FAMILIAL; hereditary breast carcinoma; Hereditary breast cancer. Identifiers: Orphanet 227535, MedGen C0346153, MONDO:0016419, OMIM 114480. Disease mechanism: loss of function.
Hereditary cancer-predisposing syndrome. Also called: Neoplastic Syndromes, Hereditary; Tumor predisposition; Hereditary Cancer Syndrome; Hereditary neoplastic syndrome. Identifiers: Orphanet 140162, MedGen C0027672, MeSH D009386, MONDO:0015356.

Submissions (2):

Ambry Genetics
Classification: Uncertain significance for Hereditary cancer-predisposing syndrome. Last evaluated: 2025-01-25. Review status: criteria provided, single submitter. Criteria: Ambry Variant Classification Scheme 2023. Collection method: clinical testing. Allele origin: germline.
Comment: The p.E12A variant (also known as c.35A>C), located in coding exon 1 of the PALB2 gene, results from an A to C substitution at nucleotide position 35. The glutamic acid at codon 12 is replaced by alanine, an amino acid with dissimilar properties. This amino acid position is not well conserved in available vertebrate species. In addition, this alteration is predicted to be tolerated by in silico analysis. Since supporting evidence is limited at this time, the clinical significance of this alteration remains unclear.

Labcorp Genetics (formerly Invitae), Labcorp
Classification: Uncertain significance for Familial cancer of breast. Last evaluated: 2024-02-08. Review status: criteria provided, single submitter. Criteria: Invitae Variant Classification Sherloc (09022015). Collection method: clinical testing. Allele origin: germline.
Comment: This sequence change replaces glutamic acid, which is acidic and polar, with alanine, which is neutral and non-polar, at codon 12 of the PALB2 protein (p.Glu12Ala). This variant is not present in population databases (gnomAD no frequency). This variant has not been reported in the literature in individuals affected with PALB2-related conditions. ClinVar contains an entry for this variant (Variation ID: 232401). Algorithms developed to predict the effect of missense changes on protein structure and function output the following: SIFT: "Not Available"; PolyPhen-2: "Benign"; Align-GVGD: "Not Available". The alanine amino acid residue is found in multiple mammalian species, which suggests that this missense change does not adversely affect protein function. In summary, the available evidence is currently insufficient to determine the role of this variant in disease. Therefore, it has been classified as a Variant of Uncertain Significance.